The following is an entry in ClinVar:

NM_000138.5(FBN1):c.3049A>G (p.Lys1017Glu)

Gene: FBN1 (fibrillin 1; minus strand). Cytogenetic location: 15q21.1.
Variant type: single nucleotide variant.
Coding change: c.3049A>G on transcript NM_000138.5 (MANE Select); coding-DNA position 3049, A replaced by G.
Protein change: p.Lys1017Glu; replaces lysine 1017 with glutamic acid.
Molecular consequence: missense variant.
Genome position (GRCh38, 1-based): chr15:48,489,884, T>C on the plus strand (A>G on the coding strand, the complement: FBN1 is on the minus strand). VCF-style: chr15-48489884-T-C. GRCh37 (hg19) VCF-style: chr15-48782081-T-C.
Other names: c.3049A>G, p.Lys1017Glu (NM_001406716.1); short protein forms K1017E.
Identifiers: ClinVar variation 2587624 (VCV002587624.2), dbSNP rs2505557664, ClinGen allele CA392328948.
Genomic context (GRCh38, chr15:48,489,884, plus strand): 5'-TTGGCCATGGAAAACGTAACATTGTACCTTTGAAGAAAGGCTTTCCATTTGTAATTTCTT[T>C]TGTGGCAAATCCGGGTCCTCTCGGACACAGCTCCTCGTACTCAGGAGTATTTCTCATGGG-3'
Protein context (NP_000129.3, residues 1007-1027): LCPRGPGFAT[Lys1017Glu]EITNGKPFFK

ClinVar aggregate classification (germline): Uncertain significance (1 of 4 stars; one submission).

Conditions:
Familial thoracic aortic aneurysm and aortic dissection (TAAD). Also called: Thoracic aortic aneurysms and dissections. Identifiers: Orphanet 91387, MedGen C4707243, MONDO:0019625.

Allele frequency attached by ClinVar (database versions not stated): gnomAD exomes below 0.00001.
gnomAD v4.1: 6 of 1,614,206 alleles (0.00037%); highest among the groups gnomAD compares: Non-Finnish European, 0.00042%; no homozygotes.

Submission:

Ambry Genetics
Classification: Uncertain significance for Familial thoracic aortic aneurysm and aortic dissection. Last evaluated: 2023-07-10. Review status: criteria provided, single submitter. Criteria: Ambry Variant Classification Scheme 2023. Collection method: clinical testing. Allele origin: germline.
Comment: The p.K1017E variant (also known as c.3049A>G), located in coding exon 24 of the FBN1 gene, results from an A to G substitution at nucleotide position 3049. The lysine at codon 1017 is replaced by glutamic acid, an amino acid with similar properties. This amino acid position is not well conserved in available vertebrate species. In addition, this alteration is predicted to be tolerated by in silico analysis. Since supporting evidence is limited at this time, the clinical significance of this alteration remains unclear.